The following is an entry in ClinVar:

NM_031935.3(HMCN1):c.4420G>C (p.Glu1474Gln)

Gene: HMCN1 (hemicentin 1; plus strand). Cytogenetic location: 1q31.1.
Variant type: single nucleotide variant.
Coding change: c.4420G>C on transcript NM_031935.3 (MANE Select); coding-DNA position 4420, G replaced by C.
Protein change: p.Glu1474Gln; replaces glutamic acid 1474 with glutamine.
Molecular consequence: missense variant.
Genome position (GRCh38, 1-based): chr1:186,003,789, G>C. VCF-style: chr1-186003789-G-C. GRCh37 (hg19) VCF-style: chr1-185972921-G-C.
Other names: short protein forms E1474Q.
Identifiers: ClinVar variation 3700563 (VCV003700563.2).
Genomic context (GRCh38, chr1:186,003,789, plus strand): 5'-ATAATAGGTACCAACTTCCCAAATGAAGTCTCAGTTGTCCTCAACCGTGACGTCGCCCTT[G>C]AATGCCAGGTCAAAGGCACTCCCTTTCCTGATATTCATTGGTTCAAAGATGGCAAGTGAG-3'
Protein context (NP_114141.2, residues 1464-1484): SVVLNRDVAL[Glu1474Gln]CQVKGTPFPD

ClinVar aggregate classification (germline): Uncertain significance (1 of 4 stars; one submission).

gnomAD v4.1: 2 of 1,613,268 alleles (0.00012%); highest among the groups gnomAD compares: African/African-American, 0.0013%; no homozygotes.

Submission:

Labcorp Genetics (formerly Invitae), Labcorp
Classification: Uncertain significance. Last evaluated: 2024-02-24. Review status: criteria provided, single submitter. Criteria: Invitae Variant Classification Sherloc (09022015). Collection method: clinical testing. Allele origin: germline.
Comment: This sequence change replaces glutamic acid, which is acidic and polar, with glutamine, which is neutral and polar, at codon 1474 of the HMCN1 protein (p.Glu1474Gln). This variant is not present in population databases (gnomAD no frequency). This variant has not been reported in the literature in individuals affected with HMCN1-related conditions. Algorithms developed to predict the effect of missense changes on protein structure and function output the following: SIFT: "Not Available"; PolyPhen-2: "Probably Damaging"; Align-GVGD: "Not Available". The glutamine amino acid residue is found in multiple mammalian species, which suggests that this missense change does not adversely affect protein function. In summary, the available evidence is currently insufficient to determine the role of this variant in disease. Therefore, it has been classified as a Variant of Uncertain Significance.